The following is an entry in ClinVar:

NM_032638.5(GATA2):c.1051A>G (p.Asn351Asp)

Gene: GATA2 (GATA binding protein 2; minus strand). Cytogenetic location: 3q21.3.
Variant type: single nucleotide variant.
Coding change: c.1051A>G on transcript NM_032638.5 (MANE Select); coding-DNA position 1051, A replaced by G.
Protein change: p.Asn351Asp; replaces asparagine 351 with aspartic acid.
Molecular consequence: missense variant. On other transcripts: intron variant (1).
Genome position (GRCh38, 1-based): chr3:128,481,911, T>C on the plus strand (A>G on the coding strand, the complement: GATA2 is on the minus strand). VCF-style: chr3-128481911-T-C. GRCh37 (hg19) VCF-style: chr3-128200754-T-C.
Other names: c.1051A>G, p.Asn351Asp (NM_001145661.2); c.1018-9A>G (NM_001145662.1); short protein forms N351D.
Identifiers: ClinVar variation 4857717 (VCV004857717.1).

ClinVar aggregate classification (germline): Pathogenic (1 of 4 stars; one submission).

Conditions:
Myelodysplastic syndrome (MDS). Also called: Myelodysplastic syndromes; MYELODYSPLASTIC SYNDROME, SUSCEPTIBILITY TO; Myelodysplastic syndrome, somatic. Identifiers: Orphanet 52688, MedGen C3463824, MeSH D009190, MONDO:0018881, OMIM 614286.

Submission:

Yasuda Lab, Institute of Science Tokyo
Classification: Pathogenic for Myelodysplastic syndrome. Last evaluated: 2024-01-15. Review status: criteria provided, single submitter. Criteria: ACMG Guidelines, 2015. Collection method: research. Allele origin: germline. Inheritance: Autosomal dominant inheritance. Affected: yes.
Comment: Previously, a case of a GATA2 missense variant at the same position (c.1052A>G, p. N351S) developed MDS (Hofmann I et al. Biol Blood Marrow Transplant 2020;26:1124–30.). Thus, it was assumed that the c.1051A>G variant was causative in our case, being classified as ‘pathogenic’ according to the American College of Medical Genetics and Genomics/ Association for Molecular Pathology classification.

Literature cited by the submitters: DOI 10.1093/rheumatology/keae062; DOI 10.1016/j.bbmt.2020.02.015.